The following is an entry in ClinVar:

ClinVar aggregate classification (germline): Uncertain significance. Review status: criteria provided, multiple submitters, no conflicts (2 of 4 stars). 2 submissions from 2 submitters: Uncertain significance (2). Last evaluated 2025-11-11.

Conditions:
Colorectal cancer, hereditary nonpolyposis, type 7. Identifiers: Orphanet 144, MedGen C1858380, MONDO:0013725, OMIM 614385.

Submissions (2):

Ambry Genetics
Classification: Uncertain significance. Last evaluated: 2025-11-11. Review status: criteria provided, single submitter. Criteria: Ambry Variant Classification Scheme 2023. Collection method: clinical testing. Allele origin: germline.
Comment: The p.L1300V variant (also known as c.3898C>G), located in coding exon 8 of the MLH3 gene, results from a C to G substitution at nucleotide position 3898. The leucine at codon 1300 is replaced by valine, an amino acid with highly similar properties. This amino acid position is conserved. In addition, the in silico prediction for this alteration is inconclusive. Since supporting evidence is limited at this time, the clinical significance of this alteration remains unclear.

Labcorp Genetics (formerly Invitae), Labcorp
Classification: Uncertain significance for Colorectal cancer, hereditary nonpolyposis, type 7. Last evaluated: 2021-06-02. Review status: criteria provided, single submitter. Criteria: Invitae Variant Classification Sherloc (09022015). Collection method: clinical testing. Allele origin: germline.
Comment: Algorithms developed to predict the effect of missense changes on protein structure and function are either unavailable or do not agree on the potential impact of this missense change (SIFT: "Tolerated"; PolyPhen-2: "Probably Damaging"; Align-GVGD: "Class C0"). In summary, the available evidence is currently insufficient to determine the role of this variant in disease. Therefore, it has been classified as a Variant of Uncertain Significance. This variant has not been reported in the literature in individuals with MLH3-related conditions. This variant is not present in population databases (ExAC no frequency). This sequence change replaces leucine with valine at codon 1300 of the MLH3 protein (p.Leu1300Val). The leucine residue is highly conserved and there is a small physicochemical difference between leucine and valine.

NM_001040108.2(MLH3):c.3898C>G (p.Leu1300Val)

Gene: MLH3 (mutL homolog 3; minus strand). Cytogenetic location: 14q24.3.
Variant type: single nucleotide variant.
Coding change: c.3898C>G on transcript NM_001040108.2 (MANE Select); coding-DNA position 3898, C replaced by G.
Protein change: p.Leu1300Val; replaces leucine 1300 with valine.
Molecular consequence: missense variant.
Genome position (GRCh38, 1-based): chr14:75,030,632, G>C on the plus strand (C>G on the coding strand, the complement: MLH3 is on the minus strand). VCF-style: chr14-75030632-G-C. GRCh37 (hg19) VCF-style: chr14-75497335-G-C.
Other names: c.3826C>G, p.Leu1276Val (NM_014381.3); c.3898C>G (NM_001040108.1); short protein forms L1276V, L1300V.
Identifiers: ClinVar variation 1505906 (VCV001505906.10), dbSNP rs2139385883, ClinGen allele CA390422857.